The following is an entry in ClinVar:

NM_024334.3(TMEM43):c.1129C>T (p.Leu377Phe)

Gene: TMEM43 (transmembrane protein 43; plus strand). Cytogenetic location: 3p25.1.
Variant type: single nucleotide variant.
Coding change: c.1129C>T on transcript NM_024334.3 (MANE Select); coding-DNA position 1129, C replaced by T.
Protein change: p.Leu377Phe; replaces leucine 377 with phenylalanine.
Molecular consequence: missense variant.
Genome position (GRCh38, 1-based): chr3:14,141,721, C>T. VCF-style: chr3-14141721-C-T. GRCh37 (hg19) VCF-style: chr3-14183221-C-T.
Other names: c.1132C>T, p.Leu378Phe (NM_001407274.1); c.1126C>T, p.Leu376Phe (NM_001407275.1, NM_001407276.1); c.1123C>T, p.Leu375Phe (NM_001407277.1); c.1114C>T, p.Leu372Phe (NM_001407278.1); c.1054C>T, p.Leu352Phe (NM_001407279.1); c.979C>T, p.Leu327Phe (NM_001407280.1); short protein forms L327F, L352F, L372F, L377F, L378F, L375F, L376F.
Identifiers: ClinVar variation 2599261 (VCV002599261.6), dbSNP rs1181410480, ClinGen allele CA351536591.

ClinVar aggregate classification (germline): Uncertain significance. Review status: criteria provided, multiple submitters, no conflicts (2 of 4 stars). 3 submissions from 3 submitters: Uncertain significance (3). Last evaluated 2024-04-22.

Conditions:
Cardiovascular phenotype. Identifiers: MedGen CN230736.
Arrhythmogenic right ventricular dysplasia 5. Also called: Arrhythmogenic Right Ventricular Dysplasia/Cardiomyopathy 5; ARRHYTHMOGENIC RIGHT VENTRICULAR DYSPLASIA, FAMILIAL, 5. Identifiers: MedGen C1858379, MONDO:0011459, OMIM 604400.

Allele frequency attached by ClinVar (database versions not stated): gnomAD exomes below 0.00001; TOPMed below 0.00001.
gnomAD v4.1: 3 of 1,614,192 alleles (0.00019%); highest among the groups gnomAD compares: Non-Finnish European, 0.00025%; no homozygotes.

Submissions (3):

Labcorp Genetics (formerly Invitae), Labcorp
Classification: Uncertain significance for Arrhythmogenic right ventricular dysplasia 5. Last evaluated: 2024-04-22. Review status: criteria provided, single submitter. Criteria: Invitae Variant Classification Sherloc (09022015). Collection method: clinical testing. Allele origin: germline.
Comment: This sequence change replaces leucine, which is neutral and non-polar, with phenylalanine, which is neutral and non-polar, at codon 377 of the TMEM43 protein (p.Leu377Phe). This variant is present in population databases (no rsID available, gnomAD 0.0009%). This variant has not been reported in the literature in individuals affected with TMEM43-related conditions. ClinVar contains an entry for this variant (Variation ID: 2599261). Advanced modeling of protein sequence and biophysical properties (such as structural, functional, and spatial information, amino acid conservation, physicochemical variation, residue mobility, and thermodynamic stability) performed at Invitae indicates that this missense variant is not expected to disrupt TMEM43 protein function with a negative predictive value of 80%. In summary, the available evidence is currently insufficient to determine the role of this variant in disease. Therefore, it has been classified as a Variant of Uncertain Significance.

All of Us Research Program, National Institutes of Health
Classification: Uncertain significance for Arrhythmogenic right ventricular dysplasia 5. Last evaluated: 2024-01-03. Review status: criteria provided, single submitter. Criteria: ACMG Guidelines, 2015. Collection method: clinical testing. Allele origin: germline. Inheritance: Autosomal dominant inheritance. Observed: 1 variant allele, 1 heterozygote.
Comment: This missense variant replaces leucine with phenylalanine at codon 377 of the TMEM43 protein. Computational prediction suggests that this variant may not impact protein structure and function (internally defined REVEL score threshold <= 0.5, PMID: 27666373). To our knowledge, functional studies have not been reported for this variant. This variant has not been reported in individuals affected with TMEM43-related disorders in the literature. This variant has been identified in 1/251414 chromosomes in the general population by the Genome Aggregation Database (gnomAD). The available evidence is insufficient to determine the role of this variant in disease conclusively. Therefore, this variant is classified as a Variant of Uncertain Significance.

This study involves interpretation of variants in research participants for the purpose of population health screening. Participant phenotype was not available at the time of variant classification. Additional details can be found in publication PMID: 35346344, PMCID: PMC8962531

Ambry Genetics
Classification: Uncertain significance for Cardiovascular phenotype. Last evaluated: 2023-08-13. Review status: criteria provided, single submitter. Criteria: Ambry Variant Classification Scheme 2023. Collection method: clinical testing. Allele origin: germline.
Comment: The p.L377F variant (also known as c.1129C>T), located in coding exon 12 of the TMEM43 gene, results from a C to T substitution at nucleotide position 1129. The leucine at codon 377 is replaced by phenylalanine, an amino acid with highly similar properties. This amino acid position is conserved. In addition, this alteration is predicted to be tolerated by in silico analysis. Since supporting evidence is limited at this time, the clinical significance of this alteration remains unclear.